The following is an entry in ClinVar:

NM_024408.4(NOTCH2):c.4369C>G (p.Leu1457Val)

Gene: NOTCH2 (notch receptor 2; minus strand). Cytogenetic location: 1p12.
Variant type: single nucleotide variant.
Coding change: c.4369C>G on transcript NM_024408.4 (MANE Select); coding-DNA position 4369, C replaced by G.
Protein change: p.Leu1457Val; replaces leucine 1457 with valine.
Molecular consequence: missense variant.
Genome position (GRCh38, 1-based): chr1:119,925,447, G>C on the plus strand (C>G on the coding strand, the complement: NOTCH2 is on the minus strand). VCF-style: chr1-119925447-G-C. GRCh37 (hg19) VCF-style: chr1-120468070-G-C.
Other names: short protein forms L1457V.
Identifiers: ClinVar variation 2722007 (VCV002722007.3), dbSNP rs2526147181, ClinGen allele CA341890080.
Genomic context (GRCh38, chr1:119,925,447, plus strand): 5'-TGATATAATCCCAGCAGGGAAGTGGGGAGGAGCAGTTGGCCCAGGGGTTCTCCATGGTGA[G>C]AGAACAGTCACCCCCATCCCACTGGCAGGCATGGCTGTTGCAGGCCTCATCACAGACGCC-3'
Protein context (NP_077719.2, residues 1447-1467): ACQWDGGDCS[Leu1457Val]TMENPWANCS

ClinVar aggregate classification (germline): Uncertain significance (1 of 4 stars; one submission).

Conditions:
Hajdu-Cheney syndrome (HJCYS). Also called: SERPENTINE FIBULA-POLYCYSTIC KIDNEY SYNDROME; ACROOSTEOLYSIS WITH OSTEOPOROSIS AND CHANGES IN SKULL AND MANDIBLE; Acroosteolysis dominant type. Identifiers: Orphanet 955, MedGen C0917715, MONDO:0007057, OMIM 102500.

Submission:

Labcorp Genetics (formerly Invitae), Labcorp
Classification: Uncertain significance for Hajdu-Cheney syndrome. Last evaluated: 2023-08-11. Review status: criteria provided, single submitter. Criteria: Invitae Variant Classification Sherloc (09022015). Collection method: clinical testing. Allele origin: germline.
Comment: This sequence change replaces leucine, which is neutral and non-polar, with valine, which is neutral and non-polar, at codon 1457 of the NOTCH2 protein (p.Leu1457Val). This variant is not present in population databases (gnomAD no frequency). This variant has not been reported in the literature in individuals affected with NOTCH2-related conditions. Advanced modeling of protein sequence and biophysical properties (such as structural, functional, and spatial information, amino acid conservation, physicochemical variation, residue mobility, and thermodynamic stability) has been performed at Invitae for this missense variant, however the output from this modeling did not meet the statistical confidence thresholds required to predict the impact of this variant on NOTCH2 protein function. In summary, the available evidence is currently insufficient to determine the role of this variant in disease. Therefore, it has been classified as a Variant of Uncertain Significance.